The following is an entry in ClinVar:

ClinVar aggregate classification (germline): Uncertain significance (1 of 4 stars; one submission).

Submission:

Labcorp Genetics (formerly Invitae), Labcorp
Classification: Uncertain significance. Last evaluated: 2022-05-27. Review status: criteria provided, single submitter. Criteria: Invitae Variant Classification Sherloc (09022015). Collection method: clinical testing. Allele origin: germline.
Comment: In summary, the available evidence is currently insufficient to determine the role of this variant in disease. Therefore, it has been classified as a Variant of Uncertain Significance. Algorithms developed to predict the effect of missense changes on protein structure and function (SIFT, PolyPhen-2, Align-GVGD) all suggest that this variant is likely to be tolerated. This variant has not been reported in the literature in individuals affected with POLA1-related conditions. This variant is not present in population databases (gnomAD no frequency). This sequence change replaces methionine, which is neutral and non-polar, with threonine, which is neutral and polar, at codon 379 of the POLA1 protein (p.Met379Thr).

NM_001330360.2(POLA1):c.1154T>C (p.Met385Thr)

Gene: POLA1 (DNA polymerase alpha 1, catalytic subunit; plus strand). Cytogenetic location: Xp22.11.
Variant type: single nucleotide variant.
Coding change: c.1154T>C on transcript NM_001330360.2 (MANE Select); coding-DNA position 1154, T replaced by C.
Protein change: p.Met385Thr; replaces methionine 385 with threonine.
Molecular consequence: missense variant. On other transcripts: non-coding transcript variant (2).
Genome position (GRCh38, 1-based): chrX:24,723,221, T>C. VCF-style: chrX-24723221-T-C. GRCh37 (hg19) VCF-style: chrX-24741338-T-C.
Other names: c.1154T>C, p.Met385Thr (NM_001378303.1); c.1136T>C, p.Met379Thr (NM_016937.4); short protein forms M379T, M385T.
Identifiers: ClinVar variation 1999553 (VCV001999553.4), dbSNP rs2518779204, ClinGen allele CA412532027.